The following is an entry in ClinVar:

ClinVar aggregate classification (germline): Uncertain significance (1 of 4 stars; one submission).

Conditions:
Niemann-Pick disease, type C1. Also called: NEUROVISCERAL STORAGE DISEASE WITH VERTICAL SUPRANUCLEAR OPHTHALMOPLEGIA; NIEMANN-PICK DISEASE WITH CHOLESTEROL ESTERIFICATION BLOCK; NIEMANN-PICK DISEASE WITHOUT SPHINGOMYELINASE DEFICIENCY; NIEMANN-PICK DISEASE, CHRONIC NEURONOPATHIC FORM; NIEMANN-PICK DISEASE, VARIANT TYPE C1. Identifiers: Orphanet 646, MedGen C3179455, MONDO:0009757, OMIM 257220.

Allele frequency attached by ClinVar (database versions not stated): TOPMed below 0.00001; gnomAD 0.00001.

Submission:

Labcorp Genetics (formerly Invitae), Labcorp
Classification: Uncertain significance for Niemann-Pick disease, type C1. Last evaluated: 2022-08-19. Review status: criteria provided, single submitter. Criteria: Invitae Variant Classification Sherloc (09022015). Collection method: clinical testing. Allele origin: germline.
Comment: This sequence change replaces methionine, which is neutral and non-polar, with valine, which is neutral and non-polar, at codon 1232 of the NPC1 protein (p.Met1232Val). This variant is present in population databases (no rsID available, gnomAD 0.007%). This variant has not been reported in the literature in individuals affected with NPC1-related conditions. ClinVar contains an entry for this variant (Variation ID: 836417). Advanced modeling of protein sequence and biophysical properties (such as structural, functional, and spatial information, amino acid conservation, physicochemical variation, residue mobility, and thermodynamic stability) performed at Invitae indicates that this missense variant is not expected to disrupt NPC1 protein function. In summary, the available evidence is currently insufficient to determine the role of this variant in disease. Therefore, it has been classified as a Variant of Uncertain Significance.

NM_000271.5(NPC1):c.3694A>G (p.Met1232Val)

Gene: NPC1 (NPC intracellular cholesterol transporter 1; minus strand). Cytogenetic location: 18q11.2.
Variant type: single nucleotide variant.
Coding change: c.3694A>G on transcript NM_000271.5 (MANE Select); coding-DNA position 3694, A replaced by G.
Protein change: p.Met1232Val; replaces methionine 1232 with valine.
Molecular consequence: missense variant.
Genome position (GRCh38, 1-based): chr18:23,533,415, T>C on the plus strand (A>G on the coding strand, the complement: NPC1 is on the minus strand). VCF-style: chr18-23533415-T-C. GRCh37 (hg19) VCF-style: chr18-21113379-T-C.
Other names: short protein forms M1232V.
Identifiers: ClinVar variation 836417 (VCV000836417.8), dbSNP rs1161321094, ClinGen allele CA401790619.